The following is an entry in ClinVar:

NM_001943.5(DSG2):c.3319_3321delinsATC (p.Val1107Ile)

Genes: DSG2 (desmoglein 2; plus strand), DSG2-AS1 (DSG2 antisense RNA 1; minus strand). Cytogenetic location: 18q12.1.
Variant type: Indel.
Coding change: c.3319_3321delinsATC on transcript NM_001943.5 (MANE Select); coding-DNA positions 3319 to 3321, GTT replaced by ATC.
Protein change: p.Val1107Ile; replaces valine 1107 with isoleucine.
Molecular consequence: missense variant.
Genome position (GRCh38, 1-based): chr18:31,546,705-31,546,707, GTT replaced by ATC. VCF-style: chr18-31546705-GTT-ATC. GRCh37 (hg19) VCF-style: chr18-29126668-GTT-ATC.
Other names: short protein forms V1107I.
Identifiers: ClinVar variation 918709 (VCV000918709.4), dbSNP rs2073314660, ClinGen allele CA1139666014.

ClinVar aggregate classification (germline): Uncertain significance (1 of 4 stars; one submission).

Conditions:
Cardiomyopathy (CMYO). Also called: Cardiomyopathies. Identifiers: Orphanet 167848, MedGen C0878544, MONDO:0004994, HP:0001638. Inheritance: Various modes of inheritance.

Submission:

Color Diagnostics, LLC DBA Color Health
Classification: Uncertain significance for Cardiomyopathy. Last evaluated: 2024-03-06. Review status: criteria provided, single submitter. Criteria: ACMG Guidelines, 2015. Collection method: clinical testing. Allele origin: germline.
Comment: This missense variant replaces valine with isoleucine at codon 1107 of the DSG2 protein. Computational prediction suggests that this variant may not impact protein structure and function (internally defined REVEL score threshold <= 0.5, PMID: 27666373). Splice site prediction tools suggest that this variant may not impact RNA splicing. To our knowledge, functional studies have not been reported for this variant. This variant has not been reported in individuals affected with cardiovascular disorders in the literature. This variant has not been identified in the general population by the Genome Aggregation Database (gnomAD). The available evidence is insufficient to determine the role of this variant in disease conclusively. Therefore, this variant is classified as a Variant of Uncertain Significance.